The following is an entry in ClinVar:

NM_032119.4(ADGRV1):c.1839+32G>A

Gene: ADGRV1 (adhesion G protein-coupled receptor V1; plus strand). Cytogenetic location: 5q14.3.
Variant type: single nucleotide variant.
Coding change: c.1839+32G>A on transcript NM_032119.4 (MANE Select); 32 bases into the intron after coding-DNA position 1839, G replaced by A.
Molecular consequence: intron variant.
Genome position (GRCh38, 1-based): chr5:90,629,571, G>A. VCF-style: chr5-90629571-G-A. GRCh37 (hg19) VCF-style: chr5-89925388-G-A.
Identifiers: ClinVar variation 676656 (VCV000676656.1), dbSNP rs77472411, ClinGen allele CA3338760.

ClinVar aggregate classification (germline): Benign (1 of 4 stars; one submission).

Allele frequency attached by ClinVar (database versions not stated): gnomAD exomes 0.01691; ExAC 0.01949; gnomAD 0.05775 and 0.06202; 1000 Genomes Project 0.06030; ESP Exome Variant Server 0.06293; 1000 Genomes Project 30x 0.06324; TOPMed 0.06744.
gnomAD v4.1: 16,575 of 1,476,044 alleles (1.1%); highest among the groups gnomAD compares: African/African-American, 21%; 1,536 homozygotes.

Submission:

GeneDx
Classification: Benign. Last evaluated: 2018-06-16. Review status: criteria provided, single submitter. Criteria: GeneDx Variant Classification (06012015). Collection method: clinical testing. Allele origin: germline. Affected: yes.
Comment: This variant is considered likely benign or benign based on one or more of the following criteria: it is a conservative change, it occurs at a poorly conserved position in the protein, it is predicted to be benign by multiple in silico algorithms, and/or has population frequency not consistent with disease.